The following is an entry in ClinVar:

NM_020937.4(FANCM):c.5374G>A (p.Gly1792Arg)

Gene: FANCM (FA complementation group M; plus strand). Cytogenetic location: 14q21.2.
Variant type: single nucleotide variant.
Coding change: c.5374G>A on transcript NM_020937.4 (MANE Select); coding-DNA position 5374, G replaced by A.
Protein change: p.Gly1792Arg; replaces glycine 1792 with arginine.
Molecular consequence: missense variant.
Genome position (GRCh38, 1-based): chr14:45,196,205, G>A. VCF-style: chr14-45196205-G-A. GRCh37 (hg19) VCF-style: chr14-45665408-G-A.
Other names: c.5296G>A, p.Gly1766Arg (NM_001308133.2); short protein forms G1766R, G1792R.
Identifiers: ClinVar variation 4022712 (VCV004022712.1).

ClinVar aggregate classification (germline): Uncertain significance (1 of 4 stars; one submission).

Conditions:
Inborn genetic diseases. Identifiers: MedGen C0950123, MeSH D030342.

Submission:

Ambry Genetics
Classification: Uncertain significance for Inborn genetic diseases. Last evaluated: 2025-04-19. Review status: criteria provided, single submitter. Criteria: Ambry Variant Classification Scheme 2023. Collection method: clinical testing. Allele origin: germline.
Comment: The p.G1792R variant (also known as c.5374G>A), located in coding exon 21 of the FANCM gene, results from a G to A substitution at nucleotide position 5374. The glycine at codon 1792 is replaced by arginine, an amino acid with dissimilar properties. This amino acid position is conserved. In addition, this alteration is predicted to be tolerated by in silico analysis. Based on the available evidence, the clinical significance of this variant remains unclear.